The following is an entry in ClinVar:

ClinVar aggregate classification (germline): Uncertain significance (1 of 4 stars; one submission).

Allele frequency attached by ClinVar (database versions not stated): gnomAD 0.00001; ExAC 0.00002; gnomAD exomes 0.00002; TOPMed 0.00002; ESP Exome Variant Server 0.00008.
gnomAD v4.1: 32 of 1,614,096 alleles (0.002%); highest among the groups gnomAD compares: Middle Eastern, 0.082%; no homozygotes.

Submission:

Labcorp Genetics (formerly Invitae), Labcorp
Classification: Uncertain significance. Last evaluated: 2024-04-25. Review status: criteria provided, single submitter. Criteria: Invitae Variant Classification Sherloc (09022015). Collection method: clinical testing. Allele origin: germline.
Comment: This sequence change replaces alanine, which is neutral and non-polar, with aspartic acid, which is acidic and polar, at codon 836 of the POLR1A protein (p.Ala836Asp). This variant is present in population databases (rs369086007, gnomAD 0.0009%). This variant has not been reported in the literature in individuals affected with POLR1A-related conditions. Advanced modeling of protein sequence and biophysical properties (such as structural, functional, and spatial information, amino acid conservation, physicochemical variation, residue mobility, and thermodynamic stability) performed at Invitae indicates that this missense variant is not expected to disrupt POLR1A protein function with a negative predictive value of 80%. In summary, the available evidence is currently insufficient to determine the role of this variant in disease. Therefore, it has been classified as a Variant of Uncertain Significance.

NM_015425.6(POLR1A):c.2507C>A (p.Ala836Asp)

Gene: POLR1A (RNA polymerase I subunit A; minus strand). Cytogenetic location: 2p11.2.
Variant type: single nucleotide variant.
Coding change: c.2507C>A on transcript NM_015425.6 (MANE Select); coding-DNA position 2507, C replaced by A.
Protein change: p.Ala836Asp; replaces alanine 836 with aspartic acid.
Molecular consequence: missense variant.
Genome position (GRCh38, 1-based): chr2:86,049,011, G>T on the plus strand (C>A on the coding strand, the complement: POLR1A is on the minus strand). VCF-style: chr2-86049011-G-T. GRCh37 (hg19) VCF-style: chr2-86276134-G-T.
Other names: short protein forms A836D.
Identifiers: ClinVar variation 2987858 (VCV002987858.3), dbSNP rs369086007, ClinGen allele CA1746021.